The following is an entry in ClinVar:

NM_000079.4(CHRNA1):c.-8G>A

Gene: CHRNA1 (cholinergic receptor nicotinic alpha 1 subunit; minus strand). Cytogenetic location: 2q31.1.
Variant type: single nucleotide variant.
Coding change: c.-8G>A on transcript NM_000079.4 (MANE Select); 8 bases upstream of the start codon, G replaced by A.
Molecular consequence: 5 prime UTR variant.
Genome position (GRCh38, 1-based): chr2:174,764,402, C>T on the plus strand (G>A on the coding strand, the complement: CHRNA1 is on the minus strand). VCF-style: chr2-174764402-C-T. GRCh37 (hg19) VCF-style: chr2-175629130-C-T.
Other names: c.-8G>A (NM_001039523.3).
Identifiers: ClinVar variation 506697 (VCV000506697.5), dbSNP rs138563328, ClinGen allele CA1974738.

ClinVar aggregate classification (germline): Likely benign. Review status: criteria provided, multiple submitters, no conflicts (2 of 4 stars). 4 submissions from 4 submitters: Likely benign (3). 1 of the submissions does not count toward it. Last evaluated 2018-03-27.

Conditions:
CHRNA1-related disorder. Also called: CHRNA1-related condition.

Allele frequency attached by ClinVar (database versions not stated): gnomAD exomes 0.00028 and 0.00067; ExAC 0.00102; ESP Exome Variant Server 0.00231; gnomAD 0.00253 and 0.00270; TOPMed 0.00282; 1000 Genomes Project 0.00359; 1000 Genomes Project 30x 0.00375.
gnomAD v4.1: 815 of 1,612,046 alleles (0.051%); highest among the groups gnomAD compares: African/African-American, 0.93%; 5 homozygotes.

Submissions (4):

Athena Diagnostics
Classification: Likely benign. Last evaluated: 2018-03-27. Review status: criteria provided, single submitter. Criteria: Athena Diagnostics Criteria. Collection method: clinical testing. Allele origin: germline.

GeneDx
Classification: Likely benign. Last evaluated: 2017-08-10. Review status: criteria provided, single submitter. Criteria: GeneDx Variant Classification (06012015). Collection method: clinical testing. Allele origin: germline. Affected: yes.
Comment: This variant is considered likely benign or benign based on one or more of the following criteria: it is a conservative change, it occurs at a poorly conserved position in the protein, it is predicted to be benign by multiple in silico algorithms, and/or has population frequency not consistent with disease.

Breakthrough Genomics
Classification: Likely benign. Review status: criteria provided, single submitter. Criteria: ACMG Guidelines, 2015. Collection method: not provided. Allele origin: germline. Inheritance: Autosomal recessive inheritance. Affected: yes.

PreventionGenetics, part of Exact Sciences
Classification: Benign for CHRNA1-related condition. Last evaluated: 2023-05-22. Review status: no assertion criteria provided. Collection method: clinical testing. Allele origin: germline. Not counted in ClinVar's aggregate classification.
Comment: This variant is classified as benign based on ACMG/AMP sequence variant interpretation guidelines (Richards et al. 2015 PMID: 25741868, with internal and published modifications).